The following is an entry in ClinVar:

NM_001009944.3(PKD1):c.9924-1G>C

Gene: PKD1 (polycystin 1, transient receptor potential channel interacting; minus strand). Cytogenetic location: 16p13.3.
Variant type: single nucleotide variant.
Coding change: c.9924-1G>C on transcript NM_001009944.3 (MANE Select); the canonical splice acceptor site of the intron before coding-DNA position 9924, G replaced by C.
Molecular consequence: splice acceptor variant.
Genome position (GRCh38, 1-based): chr16:2,099,771, C>G on the plus strand (G>C on the coding strand, the complement: PKD1 is on the minus strand). VCF-style: chr16-2099771-C-G. GRCh37 (hg19) VCF-style: chr16-2149772-C-G.
Other names: c.9924-1G>C (NM_000296.4).
Identifiers: ClinVar variation 1179067 (VCV001179067.2), dbSNP rs2151738493, ClinGen allele CA394352599.

ClinVar aggregate classification (germline): Likely pathogenic (1 of 4 stars; one submission).

Conditions:
Polycystic kidney disease, adult type (PKD1). Also called: POLYCYSTIC KIDNEY DISEASE 1 WITH OR WITHOUT POLYCYSTIC LIVER DISEASE; POLYCYSTIC KIDNEY DISEASE, ADULT, TYPE I; Polycystic Kidney Disease 1, Autosomal Dominant; Polycystic kidney disease 1; Polycystic kidney disease 1, severe; Polycystic Kidney, Autosomal Dominant. Identifiers: MedGen C3149841, MONDO:0008263, OMIM 173900.

Submission:

Fulgent Genetics
Classification: Likely pathogenic for Polycystic kidney disease, adult type. Last evaluated: 2021-06-30. Review status: criteria provided, single submitter. Criteria: ACMG Guidelines, 2015. Collection method: clinical testing. Allele origin: unknown.
Comment: This variant has been detected in individual(s) who were sent for testing of Renasight - kidney gene panel.